The following is an entry in ClinVar:

ClinVar aggregate classification (germline): Uncertain significance (1 of 4 stars; one submission).

Submission:

Labcorp Genetics (formerly Invitae), Labcorp
Classification: Uncertain significance. Last evaluated: 2025-12-10. Review status: criteria provided, single submitter. Criteria: Invitae Variant Classification Sherloc (09022015). Collection method: clinical testing. Allele origin: germline.
Comment: This sequence change replaces glutamic acid, which is acidic and polar, with glycine, which is neutral and non-polar, at codon 472 of the TNFAIP3 protein (p.Glu472Gly). This variant is not present in population databases (gnomAD no frequency). This variant has not been reported in the literature in individuals affected with TNFAIP3-related conditions. Invitae Evidence Modeling of protein sequence and biophysical properties (such as structural, functional, and spatial information, amino acid conservation, physicochemical variation, residue mobility, and thermodynamic stability) has been performed for this missense variant. However, the output from this modeling did not meet the statistical confidence thresholds required to predict the impact of this variant on TNFAIP3 protein function. In summary, the available evidence is currently insufficient to determine the role of this variant in disease. Therefore, it has been classified as a Variant of Uncertain Significance.

NM_001270508.2(TNFAIP3):c.1415A>G (p.Glu472Gly)

Gene: TNFAIP3 (TNF alpha induced protein 3; plus strand). Cytogenetic location: 6q23.3.
Variant type: single nucleotide variant.
Coding change: c.1415A>G on transcript NM_001270508.2 (MANE Select); coding-DNA position 1415, A replaced by G.
Protein change: p.Glu472Gly; replaces glutamic acid 472 with glycine.
Molecular consequence: missense variant.
Genome position (GRCh38, 1-based): chr6:137,878,860, A>G. VCF-style: chr6-137878860-A-G. GRCh37 (hg19) VCF-style: chr6-138199997-A-G.
Other names: c.1415A>G, p.Glu472Gly (NM_001270507.2, NM_006290.4); short protein forms E472G.
Identifiers: ClinVar variation 4761041 (VCV004761041.1).